The following is an entry in ClinVar:

NM_000368.5(TSC1):c.2020G>C (p.Val674Leu)

Gene: TSC1 (TSC complex subunit 1; minus strand). Cytogenetic location: 9q34.13.
Variant type: single nucleotide variant.
Coding change: c.2020G>C on transcript NM_000368.5 (MANE Select); coding-DNA position 2020, G replaced by C.
Protein change: p.Val674Leu; replaces valine 674 with leucine.
Molecular consequence: missense variant. On other transcripts: non-coding transcript variant (5).
Genome position (GRCh38, 1-based): chr9:132,904,432, C>G on the plus strand (G>C on the coding strand, the complement: TSC1 is on the minus strand). VCF-style: chr9-132904432-C-G. GRCh37 (hg19) VCF-style: chr9-135779819-C-G.
Other names: c.2017G>C, p.Val673Leu (NM_001406608.1, NM_001406609.1, NM_001162426.2 and 6 more transcripts); c.1867G>C, p.Val623Leu (NM_001406610.1, NM_001162427.2); c.1864G>C, p.Val622Leu (NM_001406611.1, NM_001406612.1, NM_001406613.1); c.1657G>C, p.Val553Leu (NM_001406614.1, NM_001406615.1, NM_001406616.1 and 5 more transcripts); c.2020G>C, p.Val674Leu (NM_001406592.1, NM_001406593.1, NM_001406594.1 and 7 more transcripts); c.1654G>C, p.Val552Leu (NM_001406620.1, NM_001406621.1, NM_001406622.1 and 2 more transcripts); c.1069G>C, p.Val357Leu (NM_001406626.1); c.1066G>C, p.Val356Leu (NM_001406627.1, NM_001406628.1); and 1 more; short protein forms V552L, V674L, V623L, V323L, V356L, V357L, V553L, V622L.
Identifiers: ClinVar variation 5031187 (VCV005031187.1).

ClinVar aggregate classification (germline): Uncertain significance (1 of 4 stars; one submission).

Conditions:
Hereditary cancer-predisposing syndrome. Also called: Neoplastic Syndromes, Hereditary; Tumor predisposition; Hereditary neoplastic syndrome; Hereditary Cancer Syndrome. Identifiers: Orphanet 140162, MedGen C0027672, MeSH D009386, MONDO:0015356.

Submission:

Ambry Genetics
Classification: Uncertain significance for Hereditary cancer-predisposing syndrome. Last evaluated: 2026-08-18. Review status: criteria provided, single submitter. Criteria: Ambry Variant Classification Scheme 2023. Collection method: clinical testing. Allele origin: germline.
Comment: The p.V674L variant (also known as c.2020G>C), located in coding exon 14 of the TSC1 gene, results from a G to C substitution at nucleotide position 2020. The valine at codon 674 is replaced by leucine, an amino acid with highly similar properties. This amino acid position is not well conserved in available vertebrate species. In addition, this alteration is predicted to be tolerated by in silico analysis. Based on the available evidence, the clinical significance of this variant remains unclear.